The following is an entry in ClinVar:

NM_003924.4(PHOX2B):c.694C>A (p.Pro232Thr)

Gene: PHOX2B (paired like homeobox 2B; minus strand). Cytogenetic location: 4p13.
Variant type: single nucleotide variant.
Coding change: c.694C>A on transcript NM_003924.4 (MANE Select); coding-DNA position 694, C replaced by A.
Protein change: p.Pro232Thr; replaces proline 232 with threonine.
Molecular consequence: missense variant.
Genome position (GRCh38, 1-based): chr4:41,746,058, G>T on the plus strand (C>A on the coding strand, the complement: PHOX2B is on the minus strand). VCF-style: chr4-41746058-G-T. GRCh37 (hg19) VCF-style: chr4-41748075-G-T.
Other names: short protein forms P232T.
Identifiers: ClinVar variation 486033 (VCV000486033.18), dbSNP rs1433654836, ClinGen allele CA356737369.

ClinVar aggregate classification (germline): Uncertain significance. Review status: criteria provided, multiple submitters, no conflicts (2 of 4 stars). 5 submissions from 5 submitters: Uncertain significance (5). Last evaluated 2025-09-04.

Conditions:
Central hypoventilation syndrome, congenital, 1, with or without Hirschsprung disease (CCHS1). Also called: Congenital Central Hypoventilation Syndrome (CCHS); AUTONOMIC CONTROL, CONGENITAL FAILURE OF; ONDINE CURSE, CONGENITAL; CENTRAL HYPOVENTILATION SYNDROME, CONGENITAL, 1; Central hypoventilation syndrome, congenital, 1, with or without Hirschsprung. Identifiers: Orphanet 661, MedGen C5562075, MONDO:0800026, OMIM 209880.
Neuroblastoma, susceptibility to, 2. Identifiers: Orphanet 635, MedGen C2751682, MONDO:0700041, OMIM 613013.
Hereditary cancer-predisposing syndrome. Also called: Tumor predisposition; Hereditary Cancer Syndrome; Hereditary neoplastic syndrome; Neoplastic Syndromes, Hereditary. Identifiers: Orphanet 140162, MedGen C0027672, MeSH D009386, MONDO:0015356.
Haddad syndrome (OHD). Also called: Ondine-Hirschsprung disease. Identifiers: Orphanet 99803, MedGen C1859049, MONDO:0020493.

Allele frequency attached by ClinVar (database versions not stated): TOPMed 0.00001; gnomAD exomes 0.00002.

Submissions (5):

Ambry Genetics
Classification: Uncertain significance for Hereditary cancer-predisposing syndrome. Last evaluated: 2025-09-04. Review status: criteria provided, single submitter. Criteria: Ambry Variant Classification Scheme 2023. Collection method: clinical testing. Allele origin: germline.
Comment: The p.P232T variant (also known as c.694C>A), located in coding exon 3 of the PHOX2B gene, results from a C to A substitution at nucleotide position 694. The proline at codon 232 is replaced by threonine, an amino acid with highly similar properties. This amino acid position is well conserved in available vertebrate species. In addition, this alteration is predicted to be tolerated by in silico analysis. Since supporting evidence is limited at this time, the clinical significance of this alteration remains unclear.

Fulgent Genetics
Classification: Uncertain significance for Central hypoventilation syndrome, congenital, 1, with or without Hirschsprung disease; Neuroblastoma, susceptibility to, 2. Last evaluated: 2024-04-29. Review status: criteria provided, single submitter. Criteria: ACMG Guidelines, 2015. Collection method: clinical testing. Allele origin: germline.

Baylor Genetics
Classification: Uncertain significance for Neuroblastoma, susceptibility to, 2. Last evaluated: 2023-12-02. Review status: criteria provided, single submitter. Criteria: ACMG Guidelines, 2015. Collection method: clinical testing. Allele origin: unknown.

GeneDx
Classification: Uncertain significance. Last evaluated: 2023-11-29. Review status: criteria provided, single submitter. Criteria: GeneDx Variant Classification Process June 2021. Collection method: clinical testing. Allele origin: germline. Affected: yes.
Comment: Not observed at significant frequency in large population cohorts (gnomAD); In silico analysis supports that this missense variant does not alter protein structure/function; Has not been previously published as pathogenic or benign to our knowledge

Labcorp Genetics (formerly Invitae), Labcorp
Classification: Uncertain significance for Haddad syndrome. Last evaluated: 2023-07-10. Review status: criteria provided, single submitter. Criteria: Invitae Variant Classification Sherloc (09022015). Collection method: clinical testing. Allele origin: germline.
Comment: This sequence change replaces proline, which is neutral and non-polar, with threonine, which is neutral and polar, at codon 232 of the PHOX2B protein (p.Pro232Thr). This variant is not present in population databases (gnomAD no frequency). This variant has not been reported in the literature in individuals affected with PHOX2B-related conditions. ClinVar contains an entry for this variant (Variation ID: 486033). Advanced modeling of protein sequence and biophysical properties (such as structural, functional, and spatial information, amino acid conservation, physicochemical variation, residue mobility, and thermodynamic stability) performed at Invitae indicates that this missense variant is not expected to disrupt PHOX2B protein function. In summary, the available evidence is currently insufficient to determine the role of this variant in disease. Therefore, it has been classified as a Variant of Uncertain Significance.